The following is an entry in ClinVar:

ClinVar aggregate classification (germline): Pathogenic (1 of 4 stars; one submission).

Allele frequency attached by ClinVar (database versions not stated): gnomAD exomes below 0.00001.

Submission:

Labcorp Genetics (formerly Invitae), Labcorp
Classification: Pathogenic. Last evaluated: 2025-11-22. Review status: criteria provided, single submitter. Criteria: Invitae Variant Classification Sherloc (09022015). Collection method: clinical testing. Allele origin: germline.
Comment: This sequence change creates a premature translational stop signal (p.Gly65delinsPheGluProGlyCys*) in the SCO2 gene. While this is not anticipated to result in nonsense mediated decay, it is expected to disrupt the last 202 amino acid(s) of the SCO2 protein. This variant is not present in population databases (gnomAD no frequency). This variant has not been reported in the literature in individuals affected with SCO2-related conditions. ClinVar contains an entry for this variant (Variation ID: 2703817). This variant disrupts a region of the SCO2 protein in which other variant(s) (p.Gly193Ser) have been determined to be pathogenic (PMID: 19353847, 29193756, 32600061). This suggests that this is a clinically significant region of the protein, and that variants that disrupt it are likely to be disease-causing. For these reasons, this variant has been classified as Pathogenic.

Literature cited by the submitters: PubMed 19353847; PubMed 29193756; PubMed 32600061.

NM_005138.3(SCO2):c.169_191dup (p.Thr64_Gly65insPheGluProGlyCysTer)

Genes: NCAPH2 (non-SMC condensin II complex subunit H2; plus strand), SCO2 (synthesis of cytochrome C oxidase 2; minus strand). Cytogenetic location: 22q13.33.
Variant type: Duplication.
Coding change: c.169_191dup on transcript NM_005138.3 (MANE Select); coding-DNA positions 169 to 191, 23 bases duplicated (CTTCGAACCCGGCTGCTGATCAC).
Protein change: p.Thr64_Gly65insPheGluProGlyCysTer.
Molecular consequence: nonsense, inframe insertion. On other transcripts: 3 prime UTR variant (2).
Genome position (GRCh38, 1-based): chr22:50,524,221-50,524,243, GTGATCAGCAGCCGGGTTCGAAG duplicated on the plus strand (CTTCGAACCCGGCTGCTGATCAC on the coding strand, the reverse complement: SCO2 is on the minus strand). VCF-style (leftmost placement, unchanged base first): chr22-50524220-T-TGTGATCAGCAGCCGGGTTCGAAG. GRCh37 (hg19) VCF-style: chr22-50962649-T-TGTGATCAGCAGCCGGGTTCGAAG.
Other names: c.*846_*868dup (NM_001185011.2, NM_152299.4); c.169_191dup, p.Thr64_Gly65insPheGluProGlyCysTer (NM_001169109.2, NM_001169110.1, NM_001169111.2).
Identifiers: ClinVar variation 2703817 (VCV002703817.3), dbSNP rs2522474928, ClinGen allele CA2657558328.